The following is an entry in ClinVar:

ClinVar aggregate classification (germline): Conflicting classifications of pathogenicity. Review status: criteria provided, conflicting classifications (1 of 4 stars). 4 submissions from 4 submitters: Uncertain significance (1); Likely benign (3). Last evaluated 2026-01-20.

Conditions:
KMT2D-related disorder. Also called: KMT2D-Related Disorders.
Kabuki syndrome. Also called: NIIKAWA-KUROKI SYNDROME; Kabuki make-up syndrome. Identifiers: Orphanet 2322, MedGen C0796004, MONDO:0016512.

Allele frequency attached by ClinVar (database versions not stated): ExAC 0.00002; gnomAD exomes 0.00002 and 0.00008; TOPMed 0.00003; gnomAD 0.00006.
gnomAD v4.1: 121 of 1,613,898 alleles (0.0075%); highest among the groups gnomAD compares: Non-Finnish European, 0.0098%; no homozygotes.

Submissions (4):

Labcorp Genetics (formerly Invitae), Labcorp
Classification: Likely benign for Kabuki syndrome. Last evaluated: 2026-01-20. Review status: criteria provided, single submitter. Criteria: Invitae Variant Classification Sherloc (09022015). Collection method: clinical testing. Allele origin: germline.

CeGaT Center for Human Genetics Tuebingen
Classification: Likely benign. Last evaluated: 2025-09-01. Review status: criteria provided, single submitter. Criteria: CeGaT Center For Human Genetics Tuebingen Variant Classification Criteria Version 2. Collection method: clinical testing. Allele origin: germline. Affected: yes. Observed: 2 variant alleles.
Comment: KMT2D: BP4, BP7

PreventionGenetics, part of Exact Sciences
Classification: Likely benign for KMT2D-related condition. Last evaluated: 2024-12-03. Review status: criteria provided, single submitter. Criteria: ACMG Guidelines, 2015. Collection method: clinical testing. Allele origin: germline.
Comment: This variant is classified as likely benign based on ACMG/AMP sequence variant interpretation guidelines (Richards et al. 2015 PMID: 25741868, with internal and published modifications).

Eurofins Ntd Llc (ga)
Classification: Uncertain significance. Last evaluated: 2012-09-14. Review status: criteria provided, single submitter. Criteria: EGL Classification Definitions 2015. Collection method: clinical testing. Allele origin: germline. Observed: 1 variant allele, 1 heterozygote.

NM_003482.4(KMT2D):c.15273G>A (p.Lys5091=)

Gene: KMT2D (lysine methyltransferase 2D; minus strand). Cytogenetic location: 12q13.12.
Variant type: single nucleotide variant.
Coding change: c.15273G>A on transcript NM_003482.4 (MANE Select); coding-DNA position 15273, G replaced by A.
Protein change: p.Lys5091=; no amino-acid change (lysine 5091 retained).
Molecular consequence: synonymous variant.
Genome position (GRCh38, 1-based): chr12:49,026,693, C>T on the plus strand (G>A on the coding strand, the complement: KMT2D is on the minus strand). VCF-style: chr12-49026693-C-T. GRCh37 (hg19) VCF-style: chr12-49420476-C-T.
Identifiers: ClinVar variation 94183 (VCV000094183.29), dbSNP rs398123727, ClinGen allele CA222033.